The following is an entry in ClinVar:

NM_002519.3(NPAT):c.1358T>G (p.Phe453Cys)

Gene: NPAT (nuclear protein, coactivator of histone transcription; minus strand). Cytogenetic location: 11q22.3.
Variant type: single nucleotide variant.
Coding change: c.1358T>G on transcript NM_002519.3 (MANE Select); coding-DNA position 1358, T replaced by G.
Protein change: p.Phe453Cys; replaces phenylalanine 453 with cysteine.
Molecular consequence: missense variant.
Genome position (GRCh38, 1-based): chr11:108,173,626, A>C on the plus strand (T>G on the coding strand, the complement: NPAT is on the minus strand). VCF-style: chr11-108173626-A-C. GRCh37 (hg19) VCF-style: chr11-108044353-A-C.
Other names: c.1358T>G, p.Phe453Cys (NM_001321307.1); short protein forms F453C.
Identifiers: ClinVar variation 1770749 (VCV001770749.3), dbSNP rs1401616858, ClinGen allele CA382515491.
Genomic context (GRCh38, chr11:108,173,626, plus strand): 5'-TTGGTGTATAATTCAGCACAATGTGGATTACATTCAGCATTAGAATTCCCTCTTTGGTTA[A>C]AGTCATTCAAATTAGGCACGGACTCAAAGGTAATGTCAATGTCACACTTCTGTTCAGTGG-3'
Protein context (NP_002510.2, residues 443-463): TFESVPNLND[Phe453Cys]NQRGNSNAEC

ClinVar aggregate classification (germline): Uncertain significance (1 of 4 stars; one submission).

Allele frequency attached by ClinVar (database versions not stated): gnomAD exomes below 0.00001; gnomAD 0.00001; TOPMed 0.00001.
gnomAD v4.1: 7 of 1,614,056 alleles (0.00043%); highest among the groups gnomAD compares: Non-Finnish European, 0.00059%; no homozygotes.

Submission:

Ambry Genetics
Classification: Uncertain significance. Last evaluated: 2024-03-30. Review status: criteria provided, single submitter. Criteria: Ambry Variant Classification Scheme 2023. Collection method: clinical testing. Allele origin: germline.
Comment: The p.F453C variant (also known as c.1358T>G), located in coding exon 13 of the NPAT gene, results from a T to G substitution at nucleotide position 1358. The phenylalanine at codon 453 is replaced by cysteine, an amino acid with highly dissimilar properties. This amino acid position is conserved. In addition, this alteration is predicted to be tolerated by in silico analysis. Since supporting evidence is limited at this time, the clinical significance of this alteration remains unclear.